The following is an entry in ClinVar:

ClinVar aggregate classification (germline): Benign. Review status: criteria provided, multiple submitters, no conflicts (2 of 4 stars). 2 submissions from 2 submitters: Benign (2). Last evaluated 2018-06-14.

Allele frequency attached by ClinVar (database versions not stated): 1000 Genomes Project 0.51957; 1000 Genomes Project 30x 0.52124; TOPMed 0.52285; gnomAD 0.53181 and 0.53843.
gnomAD v4.1: 657,093 of 1,104,286 alleles (60%); highest among the groups gnomAD compares: Admixed American, 67%; 200,098 homozygotes.

Submissions (2):

GeneDx
Classification: Benign. Last evaluated: 2018-06-14. Review status: criteria provided, single submitter. Criteria: GeneDx Variant Classification (06012015). Collection method: clinical testing. Allele origin: germline. Affected: yes.
Comment: This variant is considered likely benign or benign based on one or more of the following criteria: it is a conservative change, it occurs at a poorly conserved position in the protein, it is predicted to be benign by multiple in silico algorithms, and/or has population frequency not consistent with disease.

Breakthrough Genomics
Classification: Benign. Review status: criteria provided, single submitter. Criteria: ACMG Guidelines, 2015. Collection method: not provided. Allele origin: germline. Inheritance: Autosomal dominant inheritance. Affected: yes.

NM_001276345.2(TNNT2):c.601-142G>T

Gene: TNNT2 (troponin T2, cardiac type; minus strand). Cytogenetic location: 1q32.1.
Variant type: single nucleotide variant.
Coding change: c.601-142G>T on transcript NM_001276345.2 (MANE Select); 142 bases into the intron before coding-DNA position 601, G replaced by T.
Molecular consequence: intron variant.
Genome position (GRCh38, 1-based): chr1:201,362,536, C>A on the plus strand (G>T on the coding strand, the complement: TNNT2 is on the minus strand). VCF-style: chr1-201362536-C-A. GRCh37 (hg19) VCF-style: chr1-201331664-C-A.
Other names: c.556-145G>T (NM_001001432.3); c.571-514G>T (NM_001001431.3); c.571-142G>T (NM_001001430.3, NM_001276347.2); c.481-514G>T (NM_001276346.2); c.601-514G>T (NM_000364.4).
Identifiers: ClinVar variation 671946 (VCV000671946.2), dbSNP rs2365652, ClinGen allele CA10855100.